The following is an entry in ClinVar:

NM_003619.4(PRSS12):c.121C>T (p.Pro41Ser)

Gene: PRSS12 (serine protease 12; minus strand). Cytogenetic location: 4q26.
Variant type: single nucleotide variant.
Coding change: c.121C>T on transcript NM_003619.4 (MANE Select); coding-DNA position 121, C replaced by T.
Protein change: p.Pro41Ser; replaces proline 41 with serine.
Molecular consequence: missense variant.
Genome position (GRCh38, 1-based): chr4:118,352,600, G>A on the plus strand (C>T on the coding strand, the complement: PRSS12 is on the minus strand). VCF-style: chr4-118352600-G-A. GRCh37 (hg19) VCF-style: chr4-119273755-G-A.
Other names: short protein forms P41S.
Identifiers: ClinVar variation 1029729 (VCV001029729.3), dbSNP rs761103069, ClinGen allele CA358198590.

ClinVar aggregate classification (germline): Uncertain significance (1 of 4 stars; one submission).

Conditions:
Intellectual developmental disorder, autosomal recessive 1. Also called: MENTAL RETARDATION, AUTOSOMAL RECESSIVE 1; Intellectual disability, autosomal recessive 1. Identifiers: Orphanet 88616, MedGen C1855304, MONDO:0009580, OMIM 249500.

Submission:

Baylor Genetics
Classification: Uncertain significance for Intellectual developmental disorder, autosomal recessive 1. Last evaluated: 2019-05-30. Review status: criteria provided, single submitter. Criteria: ACMG Guidelines, 2015. Collection method: clinical testing. Allele origin: unknown. Affected: yes.
Comment: This variant was determined to be of uncertain significance according to ACMG Guidelines, 2015 [PMID:25741868].